The following is an entry in ClinVar:

NM_206933.4(USH2A):c.9239del (p.Phe3080fs)

Gene: USH2A (usherin; minus strand). Cytogenetic location: 1q41.
Variant type: Deletion.
Coding change: c.9239del on transcript NM_206933.4 (MANE Select); coding-DNA position 9239, one base deleted (T; older notation c.9239delT).
Protein change: p.Phe3080fs; shifts the reading frame from phenylalanine 3080.
Molecular consequence: frameshift variant.
Genome position (GRCh38, 1-based): chr1:215,844,313, A deleted on the plus strand (T on the coding strand, the reverse complement: USH2A is on the minus strand); the first of 2 consecutive A bases (chr1:215,844,313-215,844,314); deleting either gives the same sequence. VCF-style (leftmost placement, unchanged base first): chr1-215844312-GA-G. GRCh37 (hg19) VCF-style: chr1-216017654-GA-G.
Other names: short protein forms F3080fs.
Identifiers: ClinVar variation 1069962 (VCV001069962.7), dbSNP rs2102821722, ClinGen allele CA2499214472.

ClinVar aggregate classification (germline): Pathogenic (1 of 4 stars; one submission).

Submission:

Labcorp Genetics (formerly Invitae), Labcorp
Classification: Pathogenic. Last evaluated: 2020-07-16. Review status: criteria provided, single submitter. Criteria: Invitae Variant Classification Sherloc (09022015). Collection method: clinical testing. Allele origin: germline.
Comment: For these reasons, this variant has been classified as Pathogenic. Loss-of-function variants in USH2A are known to be pathogenic (PMID: 10729113, 10909849, 20507924, 25649381). This variant has not been reported in the literature in individuals with USH2A-related conditions. This variant is not present in population databases (ExAC no frequency). This sequence change creates a premature translational stop signal (p.Phe3080Serfs*17) in the USH2A gene. It is expected to result in an absent or disrupted protein product.

Literature cited by the submitters: PubMed 10729113; PubMed 10909849; PubMed 20507924; PubMed 25649381.